The following is an entry in ClinVar:

NM_001111.5(ADAR):c.843C>A (p.Ser281Arg)

Gene: ADAR (adenosine deaminase RNA specific; minus strand). Cytogenetic location: 1q21.3.
Variant type: single nucleotide variant.
Coding change: c.843C>A on transcript NM_001111.5 (MANE Select); coding-DNA position 843, C replaced by A.
Protein change: p.Ser281Arg; replaces serine 281 with arginine.
Molecular consequence: missense variant. On other transcripts: 5 prime UTR variant (6).
Genome position (GRCh38, 1-based): chr1:154,601,799, G>T on the plus strand (C>A on the coding strand, the complement: ADAR is on the minus strand). VCF-style: chr1-154601799-G-T. GRCh37 (hg19) VCF-style: chr1-154574275-G-T.
Other names: c.-43C>A (NM_001025107.3, NM_001193495.2, NM_001365046.1 and 3 more transcripts); c.870C>A, p.Ser290Arg (NM_001365045.1); c.843C>A, p.Ser281Arg (NM_015840.4, NM_015841.4); short protein forms S290R, S281R.
Identifiers: ClinVar variation 4792607 (VCV004792607.1).

ClinVar aggregate classification (germline): Uncertain significance (1 of 4 stars; one submission).

Conditions:
Symmetrical dyschromatosis of extremities (DSH). Also called: DYSCHROMATOSIS SYMMETRICA HEREDITARIA 1; RETICULATE ACROPIGMENTATION OF DOHI; SYMMETRIC DYSCHROMATOSIS OF THE EXTREMITIES; Dyschromatosis symmetrica hereditaria. Identifiers: Orphanet 41, MedGen C0406775, MONDO:0007483, OMIM 127400.
Aicardi-Goutieres syndrome 6 (AGS6). Identifiers: Orphanet 51, MedGen C3539013, MONDO:0014007, OMIM 615010.

Submission:

Labcorp Genetics (formerly Invitae), Labcorp
Classification: Uncertain significance for Aicardi-Goutieres syndrome 6; Symmetrical dyschromatosis of extremities. Last evaluated: 2026-01-07. Review status: criteria provided, single submitter. Criteria: Invitae Variant Classification Sherloc (09022015). Collection method: clinical testing. Allele origin: germline.
Comment: This sequence change replaces serine, which is neutral and polar, with arginine, which is basic and polar, at codon 281 of the ADAR protein (p.Ser281Arg). This variant is not present in population databases (gnomAD no frequency). This variant has not been reported in the literature in individuals affected with ADAR-related conditions. An algorithm developed to predict the effect of missense changes on protein structure and function outputs the following: PolyPhen-2: "Benign". The arginine amino acid residue is found in multiple mammalian species, which suggests that this missense change does not adversely affect protein function. In summary, the available evidence is currently insufficient to determine the role of this variant in disease. Therefore, it has been classified as a Variant of Uncertain Significance.